The following is an entry in ClinVar:

ClinVar aggregate classification (germline): Uncertain significance (1 of 4 stars; one submission).

Submission:

Labcorp Genetics (formerly Invitae), Labcorp
Classification: Uncertain significance. Last evaluated: 2025-03-23. Review status: criteria provided, single submitter. Criteria: Invitae Variant Classification Sherloc (09022015). Collection method: clinical testing. Allele origin: germline.
Comment: This variant, c.1744_1749del, results in the deletion of 2 amino acid(s) of the CFB protein (p.Leu582_Lys583del), but otherwise preserves the integrity of the reading frame. This variant is not present in population databases (gnomAD no frequency). This variant has not been reported in the literature in individuals affected with CFB-related conditions. Experimental studies and prediction algorithms are not available or were not evaluated, and the functional significance of this variant is currently unknown. In summary, the available evidence is currently insufficient to determine the role of this variant in disease. Therefore, it has been classified as a Variant of Uncertain Significance.

NM_001710.6(CFB):c.1744_1749del (p.Leu582_Lys583del)

Gene: CFB (complement factor B; plus strand). Cytogenetic location: 6p21.33.
Variant type: Deletion.
Coding change: c.1744_1749del on transcript NM_001710.6 (MANE Select); coding-DNA positions 1744 to 1749, 6 bases deleted (CTCAAG; older notation c.1744_1749delCTCAAG).
Protein change: p.Leu582_Lys583del.
Molecular consequence: inframe deletion.
Genome position (GRCh38, 1-based): chr6:31,950,738-31,950,743, CTCAAG deleted; deleting any 6 consecutive bases within chr6:31,950,733-31,950,743 gives the same sequence; the c. name uses the placement nearest the transcript's 3' end. VCF-style (leftmost placement, unchanged base first): chr6-31950732-ATCAAGC-A. GRCh37 (hg19) VCF-style: chr6-31918509-ATCAAGC-A.
Identifiers: ClinVar variation 4715343 (VCV004715343.1).